The following is an entry in ClinVar:

NM_178170.3(NEK8):c.1902G>A (p.Val634=)

Gene: NEK8 (NIMA related kinase 8; plus strand). Cytogenetic location: 17q11.2.
Variant type: single nucleotide variant.
Coding change: c.1902G>A on transcript NM_178170.3 (MANE Select); coding-DNA position 1902, G replaced by A.
Protein change: p.Val634=; no amino-acid change (valine 634 retained).
Molecular consequence: synonymous variant.
Genome position (GRCh38, 1-based): chr17:28,741,423, G>A. VCF-style: chr17-28741423-G-A. GRCh37 (hg19) VCF-style: chr17-27068441-G-A.
Identifiers: ClinVar variation 3054942 (VCV003054942.2), dbSNP rs772804849, ClinGen allele CA8467586.

ClinVar aggregate classification (germline): Likely benign (0 of 4 stars; one submission).

Conditions:
NEK8-related disorder. Also called: NEK8-related condition.

Allele frequency attached by ClinVar (database versions not stated): TOPMed below 0.00001; gnomAD 0.00001; gnomAD exomes 0.00001; ExAC 0.00004.
gnomAD v4.1: 23 of 1,613,988 alleles (0.0014%); highest among the groups gnomAD compares: East Asian, 0.047%; no homozygotes.

Submission:

PreventionGenetics, part of Exact Sciences
Classification: Likely benign for NEK8-related condition. Last evaluated: 2020-11-27. Review status: no assertion criteria provided. Collection method: clinical testing. Allele origin: germline.
Comment: This variant is classified as likely benign based on ACMG/AMP sequence variant interpretation guidelines (Richards et al. 2015 PMID: 25741868, with internal and published modifications).